The following is an entry in ClinVar:

ClinVar aggregate classification (germline): Uncertain significance. Review status: criteria provided, multiple submitters, no conflicts (2 of 4 stars). 2 submissions from 2 submitters: Uncertain significance (2). Last evaluated 2023-12-21.

Conditions:
Long QT syndrome (LQTS). Identifiers: MedGen C0023976, MeSH D008133, MONDO:0002442. Disease mechanism: loss of function. Inheritance: Various modes of inheritance.

Submissions (2):

Labcorp Genetics (formerly Invitae), Labcorp
Classification: Uncertain significance for Long QT syndrome. Last evaluated: 2023-12-21. Review status: criteria provided, single submitter. Criteria: Invitae Variant Classification Sherloc (09022015). Collection method: clinical testing. Allele origin: germline.
Comment: This sequence change replaces serine, which is neutral and polar, with tyrosine, which is neutral and polar, at codon 995 of the KCNH2 protein (p.Ser995Tyr). This variant is not present in population databases (gnomAD no frequency). This variant has not been reported in the literature in individuals affected with KCNH2-related conditions. ClinVar contains an entry for this variant (Variation ID: 1503418). An algorithm developed to predict the effect of missense changes on protein structure and function (PolyPhen-2) suggests that this variant is likely to be disruptive. In summary, the available evidence is currently insufficient to determine the role of this variant in disease. Therefore, it has been classified as a Variant of Uncertain Significance.

Revvity Omics, Revvity
Classification: Uncertain significance. Last evaluated: 2022-06-03. Review status: criteria provided, single submitter. Criteria: ACMG Guidelines, 2015. Collection method: clinical testing. Allele origin: germline.

NM_000238.4(KCNH2):c.2984C>A (p.Ser995Tyr)

Gene: KCNH2 (potassium voltage-gated channel subfamily H member 2; minus strand). Cytogenetic location: 7q36.1.
Variant type: single nucleotide variant.
Coding change: c.2984C>A on transcript NM_000238.4 (MANE Select); coding-DNA position 2984, C replaced by A.
Protein change: p.Ser995Tyr; replaces serine 995 with tyrosine.
Molecular consequence: missense variant.
Genome position (GRCh38, 1-based): chr7:150,947,496, G>T on the plus strand (C>A on the coding strand, the complement: KCNH2 is on the minus strand). VCF-style: chr7-150947496-G-T. GRCh37 (hg19) VCF-style: chr7-150644584-G-T.
Other names: c.2984C>A (NM_000238.3); c.1964C>A, p.Ser655Tyr (NM_172057.3); short protein forms S995Y, S655Y.
Identifiers: ClinVar variation 1503418 (VCV001503418.9), dbSNP rs2116930440, ClinGen allele CA369852986.
Genomic context (GRCh38, chr7:150,947,496, plus strand): 5'-CATCGAGGGAGCTCCTGGTACTGGCGGCCCCGACTGTCCCCCCAGAAGCTGAAAATGTTG[G>T]ACACTCCTGAGAAGGCGCCTGCAGCCAGAGAGCAGAGCTGGGTGAGCGGGGTAGACGCAC-3'
Protein context (NP_000229.1, residues 985-1005): NPLSGAFSGV[Ser995Tyr]NIFSFWGDSR